The following is an entry in ClinVar:

NM_001098.3(ACO2):c.790A>G (p.Ile264Val)

Gene: ACO2 (aconitase 2; plus strand). Cytogenetic location: 22q13.2.
Variant type: single nucleotide variant.
Coding change: c.790A>G on transcript NM_001098.3 (MANE Select); coding-DNA position 790, A replaced by G.
Protein change: p.Ile264Val; replaces isoleucine 264 with valine.
Molecular consequence: missense variant.
Genome position (GRCh38, 1-based): chr22:41,515,872, A>G. VCF-style: chr22-41515872-A-G. GRCh37 (hg19) VCF-style: chr22-41911876-A-G.
Other names: c.790A>G (NM_001098.2); short protein forms I264V.
Identifiers: ClinVar variation 1014399 (VCV001014399.9), dbSNP rs1265540660, ClinGen allele CA411720538.

ClinVar aggregate classification (germline): Uncertain significance. Review status: criteria provided, multiple submitters, no conflicts (2 of 4 stars). 2 submissions from 2 submitters: Uncertain significance (2). Last evaluated 2026-05-19.

Conditions:
Inborn genetic diseases. Identifiers: MedGen C0950123, MeSH D030342.

Allele frequency attached by ClinVar (database versions not stated): TOPMed below 0.00001; gnomAD exomes 0.00001 and below 0.00001.
gnomAD v4.1: 20 of 1,614,218 alleles (0.0012%); highest among the groups gnomAD compares: Non-Finnish European, 0.0016%; no homozygotes.

Submissions (2):

Ambry Genetics
Classification: Uncertain significance for Inborn genetic diseases. Last evaluated: 2026-05-19. Review status: criteria provided, single submitter. Criteria: Ambry Variant Classification Scheme 2023. Collection method: clinical testing. Allele origin: germline.
Comment: The c.790A>G (p.I264V) alteration is located in exon 6 (coding exon 6) of the ACO2 gene. This alteration results from a A to G substitution at nucleotide position 790, causing the isoleucine (I) at amino acid position 264 to be replaced by a valine (V). Based on data from gnomAD, the G allele has an overall frequency of <0.001% (1/251356) total alleles studied. The highest observed frequency was 0.001% (1/113670) of European (non-Finnish) alleles. Based on insufficient or conflicting evidence, the clinical significance of this alteration remains unclear.

Labcorp Genetics (formerly Invitae), Labcorp
Classification: Uncertain significance. Last evaluated: 2022-02-03. Review status: criteria provided, single submitter. Criteria: Invitae Variant Classification Sherloc (09022015). Collection method: clinical testing. Allele origin: germline.
Comment: In summary, the available evidence is currently insufficient to determine the role of this variant in disease. Therefore, it has been classified as a Variant of Uncertain Significance. Advanced modeling of protein sequence and biophysical properties (such as structural, functional, and spatial information, amino acid conservation, physicochemical variation, residue mobility, and thermodynamic stability) performed at Invitae indicates that this missense variant is expected to disrupt ACO2 protein function. ClinVar contains an entry for this variant (Variation ID: 1014399). This variant has not been reported in the literature in individuals affected with ACO2-related conditions. This variant is present in population databases (no rsID available, gnomAD 0.0009%). This sequence change replaces isoleucine, which is neutral and non-polar, with valine, which is neutral and non-polar, at codon 264 of the ACO2 protein (p.Ile264Val).